The following is an entry in ClinVar:

ClinVar aggregate classification (germline): Uncertain significance (1 of 4 stars; one submission).

Allele frequency attached by ClinVar (database versions not stated): gnomAD exomes below 0.00001; ExAC 0.00001; gnomAD 0.00001; TOPMed 0.00001.
gnomAD v4.1: 4 of 1,613,586 alleles (0.00025%); highest among the groups gnomAD compares: Admixed American, 0.0017%; no homozygotes.

Submission:

Labcorp Genetics (formerly Invitae), Labcorp
Classification: Uncertain significance. Last evaluated: 2025-03-31. Review status: criteria provided, single submitter. Criteria: Invitae Variant Classification Sherloc (09022015). Collection method: clinical testing. Allele origin: germline.
Comment: This sequence change replaces tyrosine, which is neutral and polar, with phenylalanine, which is neutral and non-polar, at codon 176 of the CLRN1 protein (p.Tyr176Phe). This variant is present in population databases (rs778786413, gnomAD 0.003%). This variant has not been reported in the literature in individuals affected with CLRN1-related conditions. ClinVar contains an entry for this variant (Variation ID: 2180216). An algorithm developed to predict the effect of missense changes on protein structure and function outputs the following: PolyPhen-2: "Benign". The phenylalanine amino acid residue is found in multiple mammalian species, which suggests that this missense change does not adversely affect protein function. In summary, the available evidence is currently insufficient to determine the role of this variant in disease. Therefore, it has been classified as a Variant of Uncertain Significance.

NM_174878.3(CLRN1):c.527A>T (p.Tyr176Phe)

Gene: CLRN1 (clarin 1; minus strand). Cytogenetic location: 3q25.1.
Variant type: single nucleotide variant.
Coding change: c.527A>T on transcript NM_174878.3 (MANE Select); coding-DNA position 527, A replaced by T.
Protein change: p.Tyr176Phe; replaces tyrosine 176 with phenylalanine.
Molecular consequence: missense variant. On other transcripts: 3 prime UTR variant (1), non-coding transcript variant (1).
Genome position (GRCh38, 1-based): chr3:150,928,108, T>A on the plus strand (A>T on the coding strand, the complement: CLRN1 is on the minus strand). VCF-style: chr3-150928108-T-A. GRCh37 (hg19) VCF-style: chr3-150645895-T-A.
Other names: c.566A>T, p.Tyr189Phe (NM_001195794.1); c.*141A>T (NM_001256819.2); c.299A>T, p.Tyr100Phe (NM_052995.2); short protein forms Y100F, Y176F, Y189F.
Identifiers: ClinVar variation 2180216 (VCV002180216.2), dbSNP rs778786413, ClinGen allele CA2666021.